The following is an entry in ClinVar:

ClinVar aggregate classification (germline): Likely pathogenic (1 of 4 stars; one submission).

Conditions:
X-linked Alport syndrome (ATS1). Also called: NEPHROPATHY AND DEAFNESS, X-LINKED; COL4A5-Related Nephropathy. Identifiers: Orphanet 63, Orphanet 88917, MedGen C4746986, MONDO:0010520, OMIM 301050.

Submission:

3billion
Classification: Likely pathogenic for X-linked Alport syndrome. Last evaluated: 2025-05-13. Review status: criteria provided, single submitter. Criteria: ACMG Guidelines, 2015. Collection method: clinical testing. Allele origin: germline. Affected: yes.
Comment: The variant is not observed in the gnomAD v4.1.0 dataset. Predicted Consequence/Location: The variant is located in a mutational hot spot and/or well-established functional domain in which established pathogenic variants have been reported (N/A). In silico tool predictions suggest damaging effect of the variant on gene or gene product [REVEL: 0.99 (>=0.6, sensitivity 0.68 and specificity 0.92); 3Cnet: 0.91 (> 0.75, sensitivity 0.96 and precision 0.92)]. Different missense changes at the same codon (p.Gly1182Arg, p.Gly1182Cys, p.Gly1182Val) have been reported to be associated with COL4A5-related disorder (PMID: 26809805, 31328266, 8648925). Therefore, this variant is classified as Likely pathogenic according to the recommendation of ACMG/AMP guideline.

Literature cited by the submitters: PubMed 26809805.

NM_033380.3(COL4A5):c.3545G>A (p.Gly1182Asp)

Gene: COL4A5 (collagen type IV alpha 5 chain; plus strand). Cytogenetic location: Xq22.3.
Variant type: single nucleotide variant.
Coding change: c.3545G>A on transcript NM_033380.3 (MANE Select); coding-DNA position 3545, G replaced by A.
Protein change: p.Gly1182Asp; replaces glycine 1182 with aspartic acid.
Molecular consequence: missense variant.
Genome position (GRCh38, 1-based): chrX:108,666,586, G>A. VCF-style: chrX-108666586-G-A. GRCh37 (hg19) VCF-style: chrX-107909816-G-A.
Other names: c.3545G>A, p.Gly1182Asp (NM_000495.5); short protein forms G1182D.
Identifiers: ClinVar variation 4855535 (VCV004855535.1).